The following is an entry in ClinVar:

ClinVar aggregate classification (germline): Uncertain significance (1 of 4 stars; one submission).

gnomAD v4.1: 2 of 1,611,614 alleles (0.00012%); highest among the groups gnomAD compares: Non-Finnish European, 0.00017%; no homozygotes.

Submission:

GeneDx
Classification: Uncertain significance. Last evaluated: 2025-02-10. Review status: criteria provided, single submitter. Criteria: GeneDx Variant Classification Process June 2021. Collection method: clinical testing. Allele origin: germline. Affected: yes.
Comment: Not observed at significant frequency in large population cohorts (gnomAD); In silico analysis supports that this missense variant has a deleterious effect on protein structure/function; Has not been previously published as pathogenic or benign to our knowledge; Not located in one of the three hot-spot regions of the RYR2 gene, where the majority of pathogenic missense variants occur (PMID: 19926015); This variant is associated with the following publications: (PMID: 19926015)

NM_001035.3(RYR2):c.8596G>A (p.Gly2866Arg)

Gene: RYR2 (ryanodine receptor 2; plus strand). Cytogenetic location: 1q43.
Variant type: single nucleotide variant.
Coding change: c.8596G>A on transcript NM_001035.3 (MANE Select); coding-DNA position 8596, G replaced by A.
Protein change: p.Gly2866Arg; replaces glycine 2866 with arginine.
Molecular consequence: missense variant.
Genome position (GRCh38, 1-based): chr1:237,674,101, G>A. VCF-style: chr1-237674101-G-A. GRCh37 (hg19) VCF-style: chr1-237837401-G-A.
Other names: short protein forms G2866R.
Identifiers: ClinVar variation 4075522 (VCV004075522.1).